The following is an entry in ClinVar:

NM_024339.5(THOC6):c.156-2del

Gene: THOC6 (THO complex subunit 6; plus strand). Cytogenetic location: 16p13.3.
Variant type: Deletion.
Coding change: c.156-2del on transcript NM_024339.5 (MANE Select); the canonical splice acceptor site of the intron before coding-DNA position 156, one base deleted (A; older notation c.156-2delA).
Molecular consequence: splice acceptor variant.
Genome position (GRCh38, 1-based): chr16:3,025,922, A deleted. VCF-style (leftmost placement, unchanged base first): chr16-3025921-CA-C. GRCh37 (hg19) VCF-style: chr16-3075922-CA-C.
Other names: c.156-2del (NM_001142350.3, NM_001347704.2); c.84-2del (NM_001347703.2).
Identifiers: ClinVar variation 1068138 (VCV001068138.9), dbSNP rs2151134923, ClinGen allele CA2499223487.

ClinVar aggregate classification (germline): Likely pathogenic (1 of 4 stars; one submission).

Conditions:
THOC6-related developmental delay-microcephaly-facial dysmorphism syndrome. Also called: Microcephaly, mental retardation, and distinctive facies, with cardiac and genitourinary malformations; THOC6 Intellectual Disability Syndrome; Beaulieu-Boycott-Innes syndrome. Identifiers: Orphanet 363444, MedGen C3150939, MONDO:0013362, OMIM 613680.

Submission:

Labcorp Genetics (formerly Invitae), Labcorp
Classification: Likely pathogenic. Last evaluated: 2017-10-11. Review status: criteria provided, single submitter. Criteria: Invitae Variant Classification Sherloc (09022015). Collection method: clinical testing. Allele origin: germline.
Comment: In summary, the currently available evidence indicates that the variant is pathogenic, but additional data are needed to prove that conclusively. Therefore, this variant has been classified as Likely Pathogenic. Donor and acceptor splice site variants typically lead to a loss of protein function (PMID: 16199547), and loss-of-function variants in THOC6 are known to be pathogenic (PMID: 26739162, 27102954). Algorithms developed to predict the effect of sequence changes on RNA splicing suggest that this variant may disrupt the consensus splice site, but this prediction has not been confirmed by published transcriptional studies. This variant has not been reported in the literature in individuals with THOC6-related disease. This variant is not present in population databases (ExAC no frequency). This sequence change affects an acceptor splice site in intron 2 of the THOC6 gene. It is expected to disrupt RNA splicing and likely results in an absent or disrupted protein product.

Literature cited by the submitters: PubMed 16199547 (cited by Labcorp Genetics (formerly Invitae), Labcorp); PubMed 26739162 (cited by Labcorp Genetics (formerly Invitae), Labcorp); PubMed 27102954 (cited by Labcorp Genetics (formerly Invitae), Labcorp).